The following is an entry in ClinVar:

NM_000168.6(GLI3):c.1028+281G>T

Gene: GLI3 (GLI family zinc finger 3; minus strand). Cytogenetic location: 7p14.1.
Variant type: single nucleotide variant.
Coding change: c.1028+281G>T on transcript NM_000168.6 (MANE Select); 281 bases into the intron after coding-DNA position 1028, G replaced by T.
Molecular consequence: intron variant.
Genome position (GRCh38, 1-based): chr7:42,039,757, C>A on the plus strand (G>T on the coding strand, the complement: GLI3 is on the minus strand). VCF-style: chr7-42039757-C-A. GRCh37 (hg19) VCF-style: chr7-42079356-C-A.
Identifiers: ClinVar variation 683174 (VCV000683174.1), dbSNP rs846322, ClinGen allele CA12631466.

ClinVar aggregate classification (germline): Benign (1 of 4 stars; one submission).

Allele frequency attached by ClinVar (database versions not stated): 1000 Genomes Project 0.60783; 1000 Genomes Project 30x 0.61430; TOPMed 0.63605; gnomAD 0.63950 and 0.64985.

Submission:

GeneDx
Classification: Benign. Last evaluated: 2018-06-14. Review status: criteria provided, single submitter. Criteria: GeneDx Variant Classification (06012015). Collection method: clinical testing. Allele origin: germline. Affected: yes.
Comment: This variant is considered likely benign or benign based on one or more of the following criteria: it is a conservative change, it occurs at a poorly conserved position in the protein, it is predicted to be benign by multiple in silico algorithms, and/or has population frequency not consistent with disease.